The following is an entry in ClinVar:

ClinVar aggregate classification (germline): Pathogenic (1 of 4 stars; one submission).

Conditions:
X-linked Emery-Dreifuss muscular dystrophy. Also called: Muscular dystrophy, tardive Emery-Dreifuss type, with contractures. Identifiers: Orphanet 261, Orphanet 98863, MedGen C0751337, MONDO:0010680.

Submissions (2):

Labcorp Genetics (formerly Invitae), Labcorp
Classification: Pathogenic for X-linked Emery-Dreifuss muscular dystrophy. Last evaluated: 2022-03-18. Review status: criteria provided, single submitter. Criteria: Invitae Variant Classification Sherloc (09022015). Collection method: clinical testing. Allele origin: germline.
Comment: For these reasons, this variant has been classified as Pathogenic. This premature translational stop signal has been observed in individual(s) with Emery-Dreifuss muscular dystrophy (PMID: 19997654). This variant is not present in population databases (gnomAD no frequency). This sequence change creates a premature translational stop signal (p.Gln133*) in the EMD gene. It is expected to result in an absent or disrupted protein product. Loss-of-function variants in EMD are known to be pathogenic (PMID: 24365856).

Dr. Peter K. Rogan Lab, Western University
No classification provided (evidence only). Condition: Thyroid cancer, nonmedullary, 1. Review status: no classification provided. Collection method: in vitro. Allele origin: not applicable. Functional consequence: retained intron. Not counted in ClinVar's aggregate classification.

Literature cited by the submitters: PubMed 19997654 (cited by Labcorp Genetics (formerly Invitae), Labcorp); PubMed 24365856 (cited by Labcorp Genetics (formerly Invitae), Labcorp).

NM_000117.3(EMD):c.397C>T (p.Gln133Ter)

Gene: EMD (emerin; plus strand). Cytogenetic location: Xq28.
Variant type: single nucleotide variant.
Coding change: c.397C>T on transcript NM_000117.3 (MANE Select); coding-DNA position 397, C replaced by T.
Protein change: p.Gln133Ter; replaces glutamine 133 with a stop codon.
Molecular consequence: nonsense.
Genome position (GRCh38, 1-based): chrX:154,380,365, C>T. VCF-style: chrX-154380365-C-T. GRCh37 (hg19) VCF-style: chrX-153608725-C-T.
Other names: short protein forms Q133*.
Identifiers: ClinVar variation 2138788 (VCV002138788.5), dbSNP rs2522789017, ClinGen allele CA415258073.